The following is an entry in ClinVar:

NM_005475.3(SH2B3):c.334G>C (p.Ala112Pro)

Gene: SH2B3 (SH2B adaptor protein 3; plus strand). Cytogenetic location: 12q24.12.
Variant type: single nucleotide variant.
Coding change: c.334G>C on transcript NM_005475.3 (MANE Select); coding-DNA position 334, G replaced by C.
Protein change: p.Ala112Pro; replaces alanine 112 with proline.
Molecular consequence: missense variant.
Genome position (GRCh38, 1-based): chr12:111,418,479, G>C. VCF-style: chr12-111418479-G-C. GRCh37 (hg19) VCF-style: chr12-111856283-G-C.
Other names: short protein forms A112P.
Identifiers: ClinVar variation 3953555 (VCV003953555.1).

ClinVar aggregate classification (germline): Uncertain significance (1 of 4 stars; one submission).

Conditions:
Inborn genetic diseases. Identifiers: MedGen C0950123, MeSH D030342.

Submission:

Ambry Genetics
Classification: Uncertain significance for Inborn genetic diseases. Last evaluated: 2025-06-03. Review status: criteria provided, single submitter. Criteria: Ambry Variant Classification Scheme 2023. Collection method: clinical testing. Allele origin: germline.
Comment: The p.A112P variant (also known as c.334G>C), located in coding exon 1 of the SH2B3 gene, results from a G to C substitution at nucleotide position 334. The alanine at codon 112 is replaced by proline, an amino acid with highly similar properties. This amino acid position is conserved. In addition, this alteration is predicted to be tolerated by in silico analysis. Based on the available evidence, the clinical significance of this variant remains unclear.